The following is an entry in ClinVar:

ClinVar aggregate classification (germline): Likely pathogenic (1 of 4 stars; one submission).

Conditions:
Junctional epidermolysis bullosa gravis of Herlitz. Also called: Herlitz-type junctional epidermolysis bullosa; EPIDERMOLYSIS BULLOSA, JUNCTIONAL 1B, SEVERE; EPIDERMOLYSIS BULLOSA JUNCTIONALIS, HERLITZ TYPE; EPIDERMOLYSIS BULLOSA, JUNCTIONAL, HERLITZ-PEARSON TYPE; JEB-HERLITZ TYPE; Epidermolysis Bullosa Letalis. Identifiers: Orphanet 79404, MedGen C0079683, MONDO:0009182, OMIM 226700.

Submission:

Myriad Genetics, Inc.
Classification: Likely pathogenic for Junctional epidermolysis bullosa gravis of Herlitz. Last evaluated: 2022-03-31. Review status: criteria provided, single submitter. Criteria: Myriad Women's Health Autosomal Recessive and X-Linked Classification Criteria (2021). Collection method: clinical testing. Allele origin: unknown.
Comment: NM_005562.2(LAMC2):c.1003G>T(E335*) is expected to be pathogenic in the context of junctional epidermolysis bullosa, LAMC2-related. This variant is predicted to lead to an abnormal or absent protein product due to the creation of a premature termination codon in LAMC2, a gene where loss-of-function variants are known to be pathogenic. Please note: this variant was assessed in the context of healthy population screening.

NM_005562.3(LAMC2):c.1003G>T (p.Glu335Ter)

Gene: LAMC2 (laminin subunit gamma 2; plus strand). Cytogenetic location: 1q25.3.
Variant type: single nucleotide variant.
Coding change: c.1003G>T on transcript NM_005562.3 (MANE Select); coding-DNA position 1003, G replaced by T.
Protein change: p.Glu335Ter; replaces glutamic acid 335 with a stop codon.
Molecular consequence: nonsense.
Genome position (GRCh38, 1-based): chr1:183,225,657, G>T. VCF-style: chr1-183225657-G-T. GRCh37 (hg19) VCF-style: chr1-183194792-G-T.
Other names: c.1003G>T, p.Glu335Ter (NM_018891.3); short protein forms E335*.
Identifiers: ClinVar variation 1725763 (VCV001725763.2), dbSNP rs2526054443, ClinGen allele CA343683511.